The following is an entry in ClinVar:

ClinVar aggregate classification (germline): Uncertain significance (1 of 4 stars; one submission).

Conditions:
Hereditary sensory and autonomic neuropathy type 6. Also called: HSAN VI; Neuropathy, hereditary sensory and autonomic, type VI. Identifiers: Orphanet 314381, MedGen C3539003, MONDO:0013839, OMIM 614653.
Epidermolysis bullosa simplex 3, localized or generalized intermediate, with BP230 deficiency (EBS3). Also called: Epidermolysis bullosa simplex, autosomal recessive 2; Epidermolysis bullosa simplex due to BP230 deficiency. Identifiers: Orphanet 412181, MedGen C3809470, MONDO:0014180, OMIM 615425.

Allele frequency attached by ClinVar (database versions not stated): gnomAD exomes below 0.00001 and 0.00001; ExAC 0.00001; gnomAD 0.00002 and 0.00003; TOPMed 0.00003.
gnomAD v4.1: 9 of 1,614,056 alleles (0.00056%); highest among the groups gnomAD compares: African/African-American, 0.004%; no homozygotes.

Submission:

Labcorp Genetics (formerly Invitae), Labcorp
Classification: Uncertain significance for Epidermolysis bullosa simplex 3, localized or generalized intermediate, with BP230 deficiency; Hereditary sensory and autonomic neuropathy type 6. Last evaluated: 2022-03-12. Review status: criteria provided, single submitter. Criteria: Invitae Variant Classification Sherloc (09022015). Collection method: clinical testing. Allele origin: germline.
Comment: This sequence change replaces leucine, which is neutral and non-polar, with arginine, which is basic and polar, at codon 2301 of the DST protein (p.Leu2301Arg). This variant is present in population databases (rs760415843, gnomAD 0.008%). This variant has not been reported in the literature in individuals affected with DST-related conditions. ClinVar contains an entry for this variant (Variation ID: 1026746). Algorithms developed to predict the effect of missense changes on protein structure and function (SIFT, PolyPhen-2, Align-GVGD) all suggest that this variant is likely to be disruptive. In summary, the available evidence is currently insufficient to determine the role of this variant in disease. Therefore, it has been classified as a Variant of Uncertain Significance.

NM_001723.7(DST):c.6902T>G (p.Leu2301Arg)

Gene: DST (dystonin; minus strand). Cytogenetic location: 6p12.1.
Variant type: single nucleotide variant.
Coding change: c.6902T>G on transcript NM_001723.7 (MANE Plus Clinical); coding-DNA position 6902, T replaced by G.
Protein change: p.Leu2301Arg; replaces leucine 2301 with arginine.
Molecular consequence: missense variant. On other transcripts: intron variant (10).
Genome position (GRCh38, 1-based): chr6:56,616,565, A>C on the plus strand (T>G on the coding strand, the complement: DST is on the minus strand). VCF-style: chr6-56616565-A-C. GRCh37 (hg19) VCF-style: chr6-56481363-A-C.
Other names: c.4831-2081T>G (NM_001144769.5); c.4930-2081T>G (NM_001374722.1, NM_001374736.1); c.4957-2081T>G (NM_001374734.1); c.4417-2081T>G (NM_001144770.2); c.4297-2081T>G (NM_001374730.1, NM_001386100.1, NM_183380.4 and 1 more transcripts); c.3319-2081T>G (NM_015548.5); short protein forms L2301R.
Identifiers: ClinVar variation 1026746 (VCV001026746.4), dbSNP rs760415843, ClinGen allele CA3870070.
Genomic context (GRCh38, chr6:56,616,565, plus strand): 5'-AACAGAAAGCATTGGGACTCTACATCAAATACACACATTCGCAGTAATTCTGAGTAATAC[A>C]GAGCTTGCTTGTTATTGGGATTAGGGAAAACTCTTGTGTTGCTGGATGGCTCATGTAAAA-3'
Protein context (NP_001714.1, residues 2291-2311): VFPNPNNKQA[Leu2301Arg]YYSELLRMCV